The following is an entry in ClinVar:

ClinVar aggregate classification (germline): Likely benign (1 of 4 stars; one submission).

gnomAD v4.1: 7 of 1,611,916 alleles (0.00043%); highest among the groups gnomAD compares: Middle Eastern, 0.017%; no homozygotes.

Submission:

CeGaT Center for Human Genetics Tuebingen
Classification: Likely benign. Last evaluated: 2022-10-01. Review status: criteria provided, single submitter. Criteria: CeGaT Center For Human Genetics Tuebingen Variant Classification Criteria Version 2. Collection method: clinical testing. Allele origin: germline. Affected: yes. Observed: 1 variant allele.
Comment: NFRKB: PM2:Supporting, BP4, BP7

NM_001143835.2(NFRKB):c.2580G>T (p.Ala860=)

Gene: NFRKB (nuclear factor related to kappaB binding protein; minus strand). Cytogenetic location: 11q24.3.
Variant type: single nucleotide variant.
Coding change: c.2580G>T on transcript NM_001143835.2 (MANE Select); coding-DNA position 2580, G replaced by T.
Protein change: p.Ala860=; no amino-acid change (alanine 860 retained).
Molecular consequence: synonymous variant.
Genome position (GRCh38, 1-based): chr11:129,873,067, C>A on the plus strand (G>T on the coding strand, the complement: NFRKB is on the minus strand). VCF-style: chr11-129873067-C-A. GRCh37 (hg19) VCF-style: chr11-129742962-C-A.
Other names: c.2655G>T, p.Ala885= (NM_006165.4).
Identifiers: ClinVar variation 2642543 (VCV002642543.24), dbSNP rs747781457, ClinGen allele CA477537390.
Genomic context (GRCh38, chr11:129,873,067, plus strand): 5'-TGTCACCGTGAGCCCTGTCTGCCCGGGTCCAGGCCGCTGCACAGTGGCTGCCGTAGTCTG[C>A]GCTTTGACGGGCACAGTGGCCATTACTGTCTAGTTGAGGGCATGAGGCCAAGAGCTTAAT-3'
Protein context (NP_001137307.1, residues 850-870): QTVMATVPVK[Ala860=]QTTAATVQRP